The following is an entry in ClinVar:

NM_005045.4(RELN):c.6068_6072+20del

Gene: RELN (reelin; minus strand). Cytogenetic location: 7q22.1.
Variant type: Deletion.
Coding change: c.6068_6072+20del on transcript NM_005045.4 (MANE Select); coding-DNA position 6068 through 20 bases into the intron after coding-DNA position 6072, 25 bases deleted (TTGAGGTACTTGACTTTGTTCTATA).
Molecular consequence: splice donor variant.
Genome position (GRCh38, 1-based): chr7:103,553,441-103,553,465, TATAGAACAAAGTCAAGTACCTCAA deleted on the plus strand (TTGAGGTACTTGACTTTGTTCTATA on the coding strand, the reverse complement: RELN is on the minus strand). VCF-style (leftmost placement, unchanged base first): chr7-103553440-TTATAGAACAAAGTCAAGTACCTCAA-T. GRCh37 (hg19) VCF-style: chr7-103193887-TTATAGAACAAAGTCAAGTACCTCAA-T.
Other names: c.6068_6072+20del (NM_173054.3).
Identifiers: ClinVar variation 2943727 (VCV002943727.3), dbSNP rs2484721195, ClinGen allele CA2740097464.

ClinVar aggregate classification (germline): Likely pathogenic (1 of 4 stars; one submission).

Conditions:
Familial temporal lobe epilepsy 7. Identifiers: Orphanet 101046, MedGen C4225327, MONDO:0014639, OMIM 616436.
Norman-Roberts syndrome (LIS2). Also called: Lissencephaly 2 (Norman-Roberts type). Identifiers: Orphanet 89844, MedGen C0796089, MONDO:0009760, OMIM 257320.

Submission:

Labcorp Genetics (formerly Invitae), Labcorp
Classification: Likely pathogenic for Familial temporal lobe epilepsy 7; Norman-Roberts syndrome. Last evaluated: 2023-04-06. Review status: criteria provided, single submitter. Criteria: Invitae Variant Classification Sherloc (09022015). Collection method: clinical testing. Allele origin: germline.
Comment: In summary, the currently available evidence indicates that the variant is pathogenic, but additional data are needed to prove that conclusively. Therefore, this variant has been classified as Likely Pathogenic. This variant results in the deletion of part of exon 40 (c.6068_6072+20del) of the RELN gene. It is expected to disrupt RNA splicing. Variants that disrupt the donor or acceptor splice site typically lead to a loss of protein function (PMID: 16199547), and loss-of-function variants in RELN are known to be pathogenic (PMID: 10973257, 26046367, 28454995). This variant is not present in population databases (gnomAD no frequency). This variant has not been reported in the literature in individuals affected with RELN-related conditions. Algorithms developed to predict the effect of sequence changes on RNA splicing suggest that this variant may disrupt the consensus splice site.

Literature cited by the submitters: PubMed 16199547; PubMed 10973257; PubMed 26046367; PubMed 28454995.